The following is an entry in ClinVar:

NM_001267550.2(TTN):c.105694C>T (p.Pro35232Ser)

Genes: TTN-AS1 (TTN antisense RNA 1; plus strand), TTN (titin; minus strand), LOC129935183 (ATAC-STARR-seq lymphoblastoid active region 16808; plus strand). Cytogenetic location: 2q31.2.
Variant type: single nucleotide variant.
Coding change: c.105694C>T on transcript NM_001267550.2 (MANE Select); coding-DNA position 105694, C replaced by T.
Protein change: p.Pro35232Ser; replaces proline 35232 with serine.
Molecular consequence: missense variant.
Genome position (GRCh38, 1-based): chr2:178,530,921, G>A on the plus strand (C>T on the coding strand, the complement: TTN is on the minus strand). VCF-style: chr2-178530921-G-A. GRCh37 (hg19) VCF-style: chr2-179395648-G-A.
Other names: c.100771C>T, p.Pro33591Ser (NM_001256850.1); c.78499C>T, p.Pro26167Ser (NM_003319.4); c.97990C>T, p.Pro32664Ser (NM_133378.4); c.78874C>T, p.Pro26292Ser (NM_133432.3); c.79075C>T, p.Pro26359Ser (NM_133437.4); short protein forms P26167S, P26292S, P26359S, P32664S, P33591S, P35232S.
Identifiers: ClinVar variation 3755511 (VCV003755511.2).

ClinVar aggregate classification (germline): Uncertain significance (1 of 4 stars; one submission).

Conditions:
Dilated cardiomyopathy 1G (CMD1G). Identifiers: Orphanet 154, MedGen C1858763, MONDO:0011400, OMIM 604145.
Autosomal recessive limb-girdle muscular dystrophy type 2J (LGMDR10). Also called: Limb-girdle muscular dystrophy, type 2J; MUSCULAR DYSTROPHY, LIMB-GIRDLE, AUTOSOMAL RECESSIVE 10. Identifiers: Orphanet 140922, MedGen C1837342, MONDO:0012127, OMIM 608807.

Submission:

Labcorp Genetics (formerly Invitae), Labcorp
Classification: Uncertain significance for Dilated cardiomyopathy 1G; Autosomal recessive limb-girdle muscular dystrophy type 2J. Last evaluated: 2025-03-06. Review status: criteria provided, single submitter. Criteria: Invitae Variant Classification Sherloc (09022015). Collection method: clinical testing. Allele origin: germline.
Comment: This sequence change replaces proline, which is neutral and non-polar, with serine, which is neutral and polar, at codon 35232 of the TTN protein (p.Pro35232Ser). This variant is not present in population databases (gnomAD no frequency). This variant has not been reported in the literature in individuals affected with TTN-related conditions. Experimental studies and prediction algorithms are not available or were not evaluated, and the functional significance of this variant is currently unknown. This variant is located in the M band of TTN (PMID: 25589632). Non-truncating variants in this region may be relevant for neuromuscular disorders, but have not been definitively shown to cause cardiomyopathy (PMID: 23975875). In summary, the available evidence is currently insufficient to determine the role of this variant in disease. Therefore, it has been classified as a Variant of Uncertain Significance.

Literature cited by the submitters: PubMed 25589632; PubMed 23975875.